The following is an entry in ClinVar:

ClinVar aggregate classification (germline): Uncertain significance (1 of 4 stars; one submission).

Conditions:
Early-onset Lafora body disease. Also called: Epilepsy, progressive myoclonic, 10. Identifiers: Orphanet 324290, MedGen C4225258, MONDO:0014717, OMIM 616640.

Submission:

Labcorp Genetics (formerly Invitae), Labcorp
Classification: Uncertain significance for Early-onset Lafora body disease. Last evaluated: 2022-03-03. Review status: criteria provided, single submitter. Criteria: Invitae Variant Classification Sherloc (09022015). Collection method: clinical testing. Allele origin: germline.
Comment: In summary, the available evidence is currently insufficient to determine the role of this variant in disease. Therefore, it has been classified as a Variant of Uncertain Significance. Experimental studies and prediction algorithms are not available or were not evaluated, and the functional significance of this variant is currently unknown. This variant has not been reported in the literature in individuals affected with PRDM8-related conditions. This variant is present in population databases (no rsID available, gnomAD 0.007%). This variant, c.1455_1463del, results in the deletion of 3 amino acid(s) of the PRDM8 protein (p.Ala486_Gly488del), but otherwise preserves the integrity of the reading frame.

NM_001099403.2(PRDM8):c.1455_1463del (p.483AGG[1])

Gene: PRDM8 (PR/SET domain 8; plus strand). Cytogenetic location: 4q21.21.
Variant type: Deletion.
Coding change: c.1455_1463del on transcript NM_001099403.2 (MANE Select); coding-DNA positions 1455 to 1463, 9 bases deleted (CGCGGGCGG; older notation c.1455_1463delCGCGGGCGG).
Protein change: p.483AGG[1].
Molecular consequence: inframe deletion.
Genome position (GRCh38, 1-based): chr4:80,202,917-80,202,925, CGCGGGCGG deleted; deleting any 9 consecutive bases within chr4:80,202,912-80,202,925 gives the same sequence; the c. name uses the placement nearest the transcript's 3' end. VCF-style (leftmost placement, unchanged base first): chr4-80202911-AGGCGGCGCG-A. GRCh37 (hg19) VCF-style: chr4-81124065-AGGCGGCGCG-A.
Other names: c.1455_1463del, p.483AGG[1] (NM_020226.4).
Identifiers: ClinVar variation 2077676 (VCV002077676.2), dbSNP rs891877338, ClinGen allele CA100001089.
Genomic context (GRCh38, chr4:80,202,911, plus strand): 5'-GCCGCAGCTGGGCAGCGCGGGCAGCACCAGCGGTGGGGGCGGAACGGGCGCCGGGGCCGC[AGGCGGCGCG>A]GGCGGGGGCCAGGGCGCCGCGTCGGACGAGCGCAAAAGCGCCTTCTCGCAGCCAGCACGC-3'